The following is an entry in ClinVar:

ClinVar aggregate classification (germline): Benign. Review status: criteria provided, multiple submitters, no conflicts (2 of 4 stars). 9 submissions from 9 submitters: Benign (5). 4 of the submissions do not count toward it. Last evaluated 2025-07-08.

Conditions:
TTN-related disorder. Also called: TTN-related condition; TTN-related disease; TTN-related disorders.

Allele frequency attached by ClinVar (database versions not stated): gnomAD exomes 0.00170 and 0.00437; ExAC 0.00574; gnomAD 0.01781 and 0.01910; ESP Exome Variant Server 0.01923; TOPMed 0.02025; 1000 Genomes Project 0.02077; 1000 Genomes Project 30x 0.02217.
gnomAD v4.1: 5,314 of 1,613,016 alleles (0.33%); highest among the groups gnomAD compares: African/African-American, 6.4%; 157 homozygotes.

Submissions (9):

ARUP Laboratories, Molecular Genetics and Genomics, ARUP Laboratories
Classification: Benign. Last evaluated: 2025-07-08. Review status: criteria provided, single submitter. Criteria: ARUP Molecular Germline Variant Investigation Process 2024. Collection method: clinical testing. Allele origin: germline.

Molecular Diagnostic Laboratory for Inherited Cardiovascular Disease, Montreal Heart Institute
Classification: Benign. Last evaluated: 2025-04-09. Review status: criteria provided, single submitter. Criteria: ACMG Guidelines, 2015. Collection method: clinical testing. Allele origin: germline. Affected: no.

GeneDx
Classification: Benign. Last evaluated: 2014-01-21. Review status: criteria provided, single submitter. Criteria: GeneDx Variant Classification (06012015). Collection method: clinical testing. Allele origin: germline. Affected: yes.
Comment: This variant is considered likely benign or benign based on one or more of the following criteria: it is a conservative change, it occurs at a poorly conserved position in the protein, it is predicted to be benign by multiple in silico algorithms, and/or has population frequency not consistent with disease.

Laboratory for Molecular Medicine, Mass General Brigham Personalized Medicine
Classification: Benign. Last evaluated: 2012-09-19. Review status: criteria provided, single submitter. Criteria: LMM Criteria. Collection method: clinical testing. Allele origin: germline. Observed: 19 variant alleles.
Comment: Ser4623Ser in exon 45A of TTN: This variant is not expected to have clinical sig nificance because it does not alter an amino acid residue and has been identifie d in 5.1% (224/4384) of African American chromosomes from a broad population by the NHLBI Exome Sequencing Project (dbSNP rs7 2648906).

Breakthrough Genomics
Classification: Benign. Review status: criteria provided, single submitter. Criteria: ACMG Guidelines, 2015. Collection method: not provided. Allele origin: germline. Inheritance: Autosomal recessive inheritance. Affected: yes.

PreventionGenetics, part of Exact Sciences
Classification: Benign for TTN-related condition. Last evaluated: 2019-03-12. Review status: no assertion criteria provided. Collection method: clinical testing. Allele origin: germline. Not counted in ClinVar's aggregate classification.
Comment: This variant is classified as benign based on ACMG/AMP sequence variant interpretation guidelines (Richards et al. 2015 PMID: 25741868, with internal and published modifications).

Clinical Genetics, Academic Medical Center
Classification: Benign. Review status: no assertion criteria provided. Collection method: clinical testing. Allele origin: germline. Affected: yes. Study: VKGL Data-share Consensus. Not counted in ClinVar's aggregate classification.

Diagnostic Laboratory, Department of Genetics, University Medical Center Groningen
Classification: Likely benign. Review status: no assertion criteria provided. Collection method: clinical testing. Allele origin: germline. Affected: yes. Study: VKGL Data-share Consensus. Not counted in ClinVar's aggregate classification.

Joint Genome Diagnostic Labs from Nijmegen and Maastricht, Radboudumc and MUMC+
Classification: Benign. Review status: no assertion criteria provided. Collection method: clinical testing. Allele origin: germline. Affected: yes. Study: VKGL Data-share Consensus. Not counted in ClinVar's aggregate classification.

NM_133379.5(TTN):c.13869T>G (p.Ser4623=)

Gene: TTN (titin; minus strand). Cytogenetic location: 2q31.2.
Variant type: single nucleotide variant.
Coding change: c.13869T>G on transcript NM_133379.5; coding-DNA position 13869, T replaced by G.
Protein change: p.Ser4623=; no amino-acid change (serine 4623 retained).
Molecular consequence: synonymous variant. On other transcripts: intron variant (6).
Genome position (GRCh38, 1-based): chr2:178,748,531, A>C on the plus strand (T>G on the coding strand, the complement: TTN is on the minus strand). VCF-style: chr2-178748531-A-C. GRCh37 (hg19) VCF-style: chr2-179613258-A-C.
Other names: p.S4623S:TCT>TCG; c.10360+4593T>G (NM_001256850.1, NM_133378.4); c.10222+4593T>G (NM_003319.4); c.10798+4593T>G (NM_133437.4); c.10597+4593T>G (NM_133432.3); c.11311+4593T>G (NM_001267550.2); c.13869T>G (NM_133379.4).
Identifiers: ClinVar variation 47763 (VCV000047763.30), dbSNP rs72648906, ClinGen allele CA284467.